The following continues an entry in ClinVar:

NM_000350.3(ABCA4):c.2971G>C (p.Gly991Arg)

Gene: ABCA4. ClinVar aggregate classification (germline): Conflicting classifications of pathogenicity. Pathogenic (6); Likely pathogenic (7); Uncertain significance (1).

Submissions 12 to 16 of 16:

Institute of Human Genetics, Univ. Regensburg, Univ. Regensburg
Classification: Likely pathogenic for Retinal dystrophy. Last evaluated: 2023-01-01. Review status: criteria provided, single submitter. Criteria: ACMG Guidelines, 2015. Collection method: clinical testing. Allele origin: germline. Affected: yes.

Mendelics
Classification: Likely pathogenic for Age related macular degeneration 2. Last evaluated: 2022-05-04. Review status: criteria provided, single submitter. Criteria: Mendelics Assertion Criteria 2019. Collection method: clinical testing. Allele origin: germline.

Eurofins Ntd Llc (ga)
Classification: Uncertain significance. Last evaluated: 2016-03-17. Review status: criteria provided, single submitter. Criteria: EGL Classification Definitions 2015. Collection method: clinical testing. Allele origin: germline. Observed: 5 variant alleles, 3 heterozygotes.

NIHR Bioresource Rare Diseases, University of Cambridge
Classification: Likely pathogenic for Macular dystrophy. Last evaluated: 2015-01-01. Review status: no assertion criteria provided. Collection method: research. Allele origin: unknown. Affected: yes. Observed: 1 variant allele. Not counted in ClinVar's aggregate classification.

Retina International
No classification provided. Review status: no classification provided. Collection method: not provided. Allele origin: unknown. Not counted in ClinVar's aggregate classification.

Literature cited by the submitters: PubMed 29925512 (cited by Women's Health and Genetics/Laboratory Corporation of America, LabCorp and Institute of Human Genetics, Univ. Regensburg, Univ. Regensburg); PubMed 32307445 (cited by Women's Health and Genetics/Laboratory Corporation of America, LabCorp and Institute of Human Genetics, Univ. Regensburg, Univ. Regensburg); PubMed 25066811 (cited by Women's Health and Genetics/Laboratory Corporation of America, LabCorp and Labcorp Genetics (formerly Invitae), Labcorp); PubMed 11379881 (cited by Women's Health and Genetics/Laboratory Corporation of America, LabCorp and Labcorp Genetics (formerly Invitae), Labcorp); PubMed 28446513 (cited by Labcorp Genetics (formerly Invitae), Labcorp); PubMed 32278709 (cited by Labcorp Genetics (formerly Invitae), Labcorp); PubMed 23982839 (cited by Labcorp Genetics (formerly Invitae), Labcorp); PubMed 32036094 (cited by Labcorp Genetics (formerly Invitae), Labcorp); PubMed 14517951 (cited by Institute of Human Genetics, Univ. Regensburg, Univ. Regensburg and NIHR Bioresource Rare Diseases, University of Cambridge); PubMed 24743636 (cited by Institute of Human Genetics, Univ. Regensburg, Univ. Regensburg); PubMed 25283059 (cited by Institute of Human Genetics, Univ. Regensburg, Univ. Regensburg); PubMed 28041643 (cited by Institute of Human Genetics, Univ. Regensburg, Univ. Regensburg and NIHR Bioresource Rare Diseases, University of Cambridge); PubMed 32619608 (cited by Institute of Human Genetics, Univ. Regensburg, Univ. Regensburg); PubMed 32581362 (cited by Institute of Human Genetics, Univ. Regensburg, Univ. Regensburg); PubMed 35260635 (cited by Institute of Human Genetics, Univ. Regensburg, Univ. Regensburg).